The following is an entry in ClinVar:

ClinVar aggregate classification (germline): Uncertain significance. Review status: criteria provided, multiple submitters, no conflicts (2 of 4 stars). 2 submissions from 2 submitters: Uncertain significance (2). Last evaluated 2025-01-01.

Conditions:
Inborn genetic diseases. Identifiers: MedGen C0950123, MeSH D030342.

gnomAD v4.1: 26 of 1,613,982 alleles (0.0016%); highest among the groups gnomAD compares: Non-Finnish European, 0.0019%; no homozygotes.

Submissions (2):

Ambry Genetics
Classification: Uncertain significance for Inborn genetic diseases. Last evaluated: 2025-01-01. Review status: criteria provided, single submitter. Criteria: Ambry Variant Classification Scheme 2023. Collection method: clinical testing. Allele origin: germline.

Labcorp Genetics (formerly Invitae), Labcorp
Classification: Uncertain significance. Last evaluated: 2022-03-23. Review status: criteria provided, single submitter. Criteria: Invitae Variant Classification Sherloc (09022015). Collection method: clinical testing. Allele origin: germline.
Comment: This sequence change replaces asparagine, which is neutral and polar, with histidine, which is basic and polar, at codon 768 of the RFX6 protein (p.Asn768His). This variant is present in population databases (rs200325481, gnomAD 0.006%). This variant has not been reported in the literature in individuals affected with RFX6-related conditions. Algorithms developed to predict the effect of missense changes on protein structure and function (SIFT, PolyPhen-2, Align-GVGD) all suggest that this variant is likely to be tolerated. In summary, the available evidence is currently insufficient to determine the role of this variant in disease. Therefore, it has been classified as a Variant of Uncertain Significance.

NM_173560.4(RFX6):c.2302A>C (p.Asn768His)

Gene: RFX6 (regulatory factor X6; plus strand). Cytogenetic location: 6q22.1.
Variant type: single nucleotide variant.
Coding change: c.2302A>C on transcript NM_173560.4 (MANE Select); coding-DNA position 2302, A replaced by C.
Protein change: p.Asn768His; replaces asparagine 768 with histidine.
Molecular consequence: missense variant.
Genome position (GRCh38, 1-based): chr6:116,927,443, A>C. VCF-style: chr6-116927443-A-C. GRCh37 (hg19) VCF-style: chr6-117248606-A-C.
Other names: c.2302A>C (NM_173560.3); short protein forms N768H.
Identifiers: ClinVar variation 2148697 (VCV002148697.2), dbSNP rs200325481, ClinGen allele CA3973516.